The following is an entry in ClinVar:

ClinVar aggregate classification (germline): Uncertain significance. Review status: criteria provided, multiple submitters, no conflicts (2 of 4 stars). 2 submissions from 2 submitters: Uncertain significance (2). Last evaluated 2024-11-18.

gnomAD v4.1: 1 of 1,613,274 alleles (0.000062%); highest among the groups gnomAD compares: Admixed American, 0.0017%; no homozygotes.

Submissions (2):

GeneDx
Classification: Uncertain significance. Last evaluated: 2024-11-18. Review status: criteria provided, single submitter. Criteria: GeneDx Variant Classification Process June 2021. Collection method: clinical testing. Allele origin: germline. Affected: yes.
Comment: Not observed at significant frequency in large population cohorts (gnomAD); Missense variant in a gene in which most reported pathogenic variants are truncating/loss of function; Has not been previously published as pathogenic or benign to our knowledge

Revvity Omics, Revvity
Classification: Uncertain significance. Last evaluated: 2024-09-11. Review status: criteria provided, single submitter. Criteria: ACMG Guidelines, 2015. Collection method: clinical testing. Allele origin: germline.

NM_001267550.2(TTN):c.66937A>T (p.Thr22313Ser)

Genes: TTN (titin; minus strand), TTN-AS1 (TTN antisense RNA 1; plus strand). Cytogenetic location: 2q31.2.
Variant type: single nucleotide variant.
Coding change: c.66937A>T on transcript NM_001267550.2 (MANE Select); coding-DNA position 66937, A replaced by T.
Protein change: p.Thr22313Ser; replaces threonine 22313 with serine.
Molecular consequence: missense variant.
Genome position (GRCh38, 1-based): chr2:178,580,442, T>A on the plus strand (A>T on the coding strand, the complement: TTN is on the minus strand). VCF-style: chr2-178580442-T-A. GRCh37 (hg19) VCF-style: chr2-179445169-T-A.
Other names: c.62014A>T, p.Thr20672Ser (NM_001256850.1); c.39742A>T, p.Thr13248Ser (NM_003319.4); c.59233A>T, p.Thr19745Ser (NM_133378.4); c.40117A>T, p.Thr13373Ser (NM_133432.3); c.40318A>T, p.Thr13440Ser (NM_133437.4); short protein forms T13248S, T13373S, T13440S, T19745S, T20672S, T22313S.
Identifiers: ClinVar variation 3899764 (VCV003899764.2).